The following is an entry in ClinVar:

ClinVar aggregate classification (germline): Uncertain significance (1 of 4 stars; one submission).

gnomAD v4.1: 1 of 1,612,894 alleles (0.000062%); highest among the groups gnomAD compares: Admixed American, 0.0017%; no homozygotes.

Submission:

CeGaT Center for Human Genetics Tuebingen
Classification: Uncertain significance. Last evaluated: 2025-09-01. Review status: criteria provided, single submitter. Criteria: CeGaT Center For Human Genetics Tuebingen Variant Classification Criteria Version 2. Collection method: clinical testing. Allele origin: germline. Affected: yes. Observed: 1 variant allele.
Comment: TTN: PM2, BP4

NM_001267550.2(TTN):c.55565A>T (p.Asp18522Val)

Genes: TTN (titin; minus strand), TTN-AS1 (TTN antisense RNA 1; plus strand). Cytogenetic location: 2q31.2.
Variant type: single nucleotide variant.
Coding change: c.55565A>T on transcript NM_001267550.2 (MANE Select); coding-DNA position 55565, A replaced by T.
Protein change: p.Asp18522Val; replaces aspartic acid 18522 with valine.
Molecular consequence: missense variant.
Genome position (GRCh38, 1-based): chr2:178,601,432, T>A on the plus strand (A>T on the coding strand, the complement: TTN is on the minus strand). VCF-style: chr2-178601432-T-A. GRCh37 (hg19) VCF-style: chr2-179466159-T-A.
Other names: c.50642A>T, p.Asp16881Val (NM_001256850.1); c.28370A>T, p.Asp9457Val (NM_003319.4); c.47861A>T, p.Asp15954Val (NM_133378.4); c.28745A>T, p.Asp9582Val (NM_133432.3); c.28946A>T, p.Asp9649Val (NM_133437.4); short protein forms D15954V, D16881V, D18522V, D9457V, D9582V, D9649V.
Identifiers: ClinVar variation 4281415 (VCV004281415.7).